The following is an entry in ClinVar:

ClinVar aggregate classification (germline): Likely benign (1 of 4 stars; one submission).

Allele frequency attached by ClinVar (database versions not stated): ESP Exome Variant Server 0.00008; 1000 Genomes Project 30x 0.00031; 1000 Genomes Project 0.00040.
gnomAD v4.1: 152 of 1,613,398 alleles (0.0094%); highest among the groups gnomAD compares: South Asian, 0.056%; no homozygotes.

Submission:

CeGaT Center for Human Genetics Tuebingen
Classification: Likely benign. Last evaluated: 2022-04-01. Review status: criteria provided, single submitter. Criteria: CeGaT Center For Human Genetics Tuebingen Variant Classification Criteria Version 2. Collection method: clinical testing. Allele origin: germline. Affected: yes. Observed: 1 variant allele.
Comment: FARP1: BP4, BP7

NM_005766.4(FARP1):c.2163G>T (p.Thr721=)

Genes: FARP1 (FERM, ARH/RhoGEF and pleckstrin domain protein 1; plus strand), FARP1-AS1 (FARP1 antisense RNA 1; minus strand). Cytogenetic location: 13q32.2.
Variant type: single nucleotide variant.
Coding change: c.2163G>T on transcript NM_005766.4 (MANE Select); coding-DNA position 2163, G replaced by T.
Protein change: p.Thr721=; no amino-acid change (threonine 721 retained).
Molecular consequence: synonymous variant. On other transcripts: non-coding transcript variant (1).
Genome position (GRCh38, 1-based): chr13:98,435,595, G>T. VCF-style: chr13-98435595-G-T. GRCh37 (hg19) VCF-style: chr13-99087849-G-T.
Other names: c.2163G>T, p.Thr721= (NM_001286839.2).
Identifiers: ClinVar variation 2643885 (VCV002643885.24), dbSNP rs200427694, ClinGen allele CA7026559.